The following is an entry in ClinVar:

NM_004750.5(CRLF1):c.983dup (p.Ser328fs)

Gene: CRLF1 (cytokine receptor like factor 1; minus strand). Cytogenetic location: 19p13.11.
Variant type: Duplication.
Coding change: c.983dup on transcript NM_004750.5 (MANE Select); coding-DNA position 983, one base duplicated (G; older notation c.983dupG).
Protein change: p.Ser328fs; shifts the reading frame from serine 328.
Molecular consequence: frameshift variant.
Genome position (GRCh38, 1-based): chr19:18,596,663, C duplicated on the plus strand (G on the coding strand, the reverse complement: CRLF1 is on the minus strand). VCF-style (leftmost placement, unchanged base first): chr19-18596662-A-AC. GRCh37 (hg19) VCF-style: chr19-18707472-A-AC.
Other names: p.Ser328ArgfsTer2; c.983dup (NM_004750.4); short protein forms S328fs.
Identifiers: ClinVar variation 418665 (VCV000418665.8), dbSNP rs1555758035, ClinGen allele CA16620812.

ClinVar aggregate classification (germline): Pathogenic. Review status: criteria provided, multiple submitters, no conflicts (2 of 4 stars). 5 submissions from 5 submitters: Pathogenic (4). 1 of the submissions does not count toward it. Last evaluated 2024-09-12.

Conditions:
Cold-induced sweating syndrome 1 (CISS1). Also called: CRISPONI/COLD-INDUCED SWEATING SYNDROME 1; CRLF1-Related Cold-Induced Sweating Syndrome including Crisponi Syndrome; MUSCLE CONTRACTIONS, TETANOFORM, WITH CHARACTERISTIC FACE, CAMPTODACTYLY, HYPERTHERMIA, AND SUDDEN DEATH; Crisponi syndrome. Identifiers: Orphanet 1545, Orphanet 157820, MedGen C1848947, MONDO:0010091, OMIM 272430.

Submissions (5):

3billion
Classification: Pathogenic for Cold-induced sweating syndrome 1. Last evaluated: 2024-09-12. Review status: criteria provided, single submitter. Criteria: ACMG Guidelines, 2015. Collection method: clinical testing. Allele origin: germline. Affected: yes.
Comment: The variant is not observed in the gnomAD v4.0.0 dataset. Predicted Consequence/Location: Frameshift: predicted to result in a loss or disruption of normal protein function through nonsense-mediated decay (NMD) or protein truncation. Multiple pathogenic variants are reported downstream of the variant. The variant has been reported at least twice as pathogenic with clinical assertions and evidence for the classification (ClinVar ID: VCV000418665 /PMID: 24488861). Therefore, this variant is classified as Pathogenic according to the recommendation of ACMG/AMP guideline.

Genomic Medicine Center of Excellence, King Faisal Specialist Hospital and Research Centre
Classification: Pathogenic for Cold-induced sweating syndrome 1. Last evaluated: 2024-03-29. Review status: criteria provided, single submitter. Criteria: ACMG Guidelines, 2015. Collection method: clinical testing. Allele origin: germline.

GeneDx
Classification: Pathogenic. Last evaluated: 2022-12-19. Review status: criteria provided, single submitter. Criteria: GeneDx Variant Classification Process June 2021. Collection method: clinical testing. Allele origin: germline. Affected: yes.
Comment: Frameshift variant predicted to result in protein truncation or nonsense mediated decay in a gene for which loss of function is a known mechanism of disease; Not observed at significant frequency in large population cohorts (gnomAD); This variant is associated with the following publications: (PMID: 24488861, 32552793, 26804344, 35699517)

Breakthrough Genomics
Classification: Pathogenic for Cold-induced sweating syndrome 1. Last evaluated: 2020-06-25. Review status: criteria provided, single submitter. Criteria: ACMG Guidelines, 2015. Collection method: clinical testing. Allele origin: germline. Affected: yes.

Biochemical Molecular Genetic Laboratory, King Abdulaziz Medical City
Classification: Pathogenic for Cold-induced sweating syndrome 1. Last evaluated: 2020-06-07. Review status: no assertion criteria provided. Collection method: clinical testing. Allele origin: germline. Affected: yes. Not counted in ClinVar's aggregate classification.

Literature cited by the submitters: PubMed 24488861 (cited by 3billion).